The following is an entry in ClinVar:

ClinVar aggregate classification (germline): Benign/Likely benign. Review status: criteria provided, single submitter (1 of 4 stars). 2 submissions from 1 submitter: Benign (1); Likely benign (1). Last evaluated 2018-01-13.

Conditions:
Autosomal dominant hypophosphatemic rickets (ADHR). Also called: HYPOPHOSPHATEMIA, AUTOSOMAL DOMINANT; VITAMIN D-RESISTANT RICKETS, AUTOSOMAL DOMINANT. Identifiers: Orphanet 89937, MedGen C0342642, MONDO:0008660, OMIM 193100.
Tumoral calcinosis, hyperphosphatemic, familial, 2. Identifiers: MedGen C4693863, MONDO:0060714, OMIM 617993.

Allele frequency attached by ClinVar (database versions not stated): gnomAD 0.00028 and 0.00032; TOPMed 0.00037; 1000 Genomes Project 0.00060; gnomAD exomes 0.00072; 1000 Genomes Project 30x 0.00078.
gnomAD v4.1: 64 of 173,478 alleles (0.037%); highest among the groups gnomAD compares: Non-Finnish European, 0.068%; no homozygotes.

Submissions (2):

Illumina Laboratory Services, Illumina
Classification: Benign for Autosomal dominant hypophosphatemic rickets. Last evaluated: 2018-01-13. Review status: criteria provided, single submitter. Criteria: ICSL Variant Classification Criteria 13 December 2019. Collection method: clinical testing. Allele origin: germline.
Comment: This variant was observed in the ICSL laboratory as part of a predisposition screen in an ostensibly healthy population. It had not been previously curated by ICSL or reported in the Human Gene Mutation Database (HGMD: prior to June 1st, 2018), and was therefore a candidate for classification through an automated scoring system. Utilizing variant allele frequency, disease prevalence and penetrance estimates, and inheritance mode, an automated score was calculated to assess if this variant is too frequent to cause the disease. Based on the score and internal cut-off values, a variant classified as benign is not then subjected to further curation. The score for this variant resulted in a classification of benign for this disease.

Illumina Laboratory Services, Illumina
Classification: Likely benign for Tumoral calcinosis, hyperphosphatemic, familial, 2. Last evaluated: 2018-01-13. Review status: criteria provided, single submitter. Criteria: ICSL Variant Classification Criteria 13 December 2019. Collection method: clinical testing. Allele origin: germline.
Comment: This variant was observed in the ICSL laboratory as part of a predisposition screen in an ostensibly healthy population. It had not been previously curated by ICSL or reported in the Human Gene Mutation Database (HGMD: prior to June 1st, 2018), and was therefore a candidate for classification through an automated scoring system. Utilizing variant allele frequency, disease prevalence and penetrance estimates, and inheritance mode, an automated score was calculated to assess if this variant is too frequent to cause the disease. Based on the score and internal cut-off values, a variant classified as likely benign is not then subjected to further curation. The score for this variant resulted in a classification of likely benign for this disease.

NM_020638.3(FGF23):c.*2062A>C

Gene: FGF23 (fibroblast growth factor 23; minus strand). Cytogenetic location: 12p13.32.
Variant type: single nucleotide variant.
Coding change: c.*2062A>C on transcript NM_020638.3 (MANE Select); 2062 bases downstream of the stop codon, A replaced by C.
Molecular consequence: 3 prime UTR variant.
Genome position (GRCh38, 1-based): chr12:4,368,281, T>G on the plus strand (A>C on the coding strand, the complement: FGF23 is on the minus strand). VCF-style: chr12-4368281-T-G. GRCh37 (hg19) VCF-style: chr12-4477447-T-G.
Identifiers: ClinVar variation 308772 (VCV000308772.5), dbSNP rs558079364, ClinGen allele CA10641207.
Genomic context (GRCh38, chr12:4,368,281, plus strand): 5'-AGAATGACCAGAAATCCAATATTGATAAAACTTAAATAATTCTGTCTAGATCAATTAAAA[T>G]CATTGAGTCTCCTTATGAATGGAAGAAATCTTTGAAAATTTTAAAATTCTAAAATCTTTT-3'